The following is an entry in ClinVar:

NM_172107.4(KCNQ2):c.1249A>G (p.Lys417Glu)

Gene: KCNQ2 (potassium voltage-gated channel subfamily Q member 2; minus strand). Cytogenetic location: 20q13.33.
Variant type: single nucleotide variant.
Coding change: c.1249A>G on transcript NM_172107.4 (MANE Select); coding-DNA position 1249, A replaced by G.
Protein change: p.Lys417Glu; replaces lysine 417 with glutamic acid.
Molecular consequence: missense variant. On other transcripts: intron variant (4).
Genome position (GRCh38, 1-based): chr20:63,419,671, T>C on the plus strand (A>G on the coding strand, the complement: KCNQ2 is on the minus strand). VCF-style: chr20-63419671-T-C. GRCh37 (hg19) VCF-style: chr20-62051024-T-C.
Other names: c.1217+4506A>G (NM_004518.6); c.1247+4506A>G (NM_172108.5, NM_172106.3, NM_001382235.1); short protein forms K417E.
Identifiers: ClinVar variation 1306474 (VCV001306474.2), dbSNP rs2145588263, ClinGen allele CA409648571.

ClinVar aggregate classification (germline): Uncertain significance (1 of 4 stars; one submission).

Submission:

GeneDx
Classification: Uncertain significance. Last evaluated: 2019-06-20. Review status: criteria provided, single submitter. Criteria: GeneDx Variant Classification Process June 2021. Collection method: clinical testing. Allele origin: germline. Affected: yes.
Comment: Not observed in large population cohorts (Lek et al., 2016); The majority of missense variants in this gene are considered pathogenic (Stenson et al., 2014); In silico analysis, which includes protein predictors and evolutionary conservation, supports that this variant does not alter protein structure/function; Has not been previously published as pathogenic or benign to our knowledge